The following is an entry in ClinVar:

NM_001159699.2(FHL1):c.409G>A (p.Val137Ile)

Gene: FHL1 (four and a half LIM domains 1; plus strand). Cytogenetic location: Xq26.3.
Variant type: single nucleotide variant.
Coding change: c.409G>A on transcript NM_001159699.2 (MANE Select); coding-DNA position 409, G replaced by A.
Protein change: p.Val137Ile; replaces valine 137 with isoleucine.
Molecular consequence: missense variant. On other transcripts: non-coding transcript variant (1).
Genome position (GRCh38, 1-based): chrX:136,207,821, G>A. VCF-style: chrX-136207821-G-A. GRCh37 (hg19) VCF-style: chrX-135289980-G-A.
Other names: c.361G>A (NM_001159702.2); c.361G>A, p.Val121Ile (NM_001159700.2, NM_001159702.3, NM_001159703.2 and 9 more transcripts); c.448G>A, p.Val150Ile (NM_001159701.2); c.409G>A, p.Val137Ile (NM_001330659.2); short protein forms V121I, V137I, V150I.
Identifiers: ClinVar variation 285074 (VCV000285074.22), dbSNP rs139402062, ClinGen allele CA10525007.

ClinVar aggregate classification (germline): Conflicting classifications of pathogenicity. Review status: criteria provided, conflicting classifications (1 of 4 stars). 7 submissions from 7 submitters: Uncertain significance (3); Likely benign (3). 1 of the submissions does not count toward it. Last evaluated 2026-01-25.

Conditions:
FHL1-related disorder. Also called: FHL1-related condition; FHL1-related disorders.
Cardiovascular phenotype. Identifiers: MedGen CN230736.
X-linked myopathy with postural muscle atrophy. Also called: FHL1-Related Emery-Dreifuss Muscular Dystrophy, X-Linked. Identifiers: Orphanet 178461, MedGen C2678055, MONDO:0010401, OMIM 300696.

Allele frequency attached by ClinVar (database versions not stated): gnomAD exomes 0.00005; ExAC 0.00008; ESP Exome Variant Server 0.00009; TOPMed 0.00015; gnomAD 0.00017.
gnomAD v4.1: 49 of 1,210,380 alleles (0.004%); highest among the groups gnomAD compares: African/African-American, 0.026%; no homozygotes.

Submissions (7):

Labcorp Genetics (formerly Invitae), Labcorp
Classification: Uncertain significance for X-linked myopathy with postural muscle atrophy. Last evaluated: 2026-01-25. Review status: criteria provided, single submitter. Criteria: Invitae Variant Classification Sherloc (09022015). Collection method: clinical testing. Allele origin: germline.
Comment: This sequence change replaces valine, which is neutral and non-polar, with isoleucine, which is neutral and non-polar, at codon 121 of the FHL1 protein (p.Val121Ile). This variant is present in population databases (rs139402062, gnomAD 0.04%), and has an allele count higher than expected for a pathogenic variant. This variant has not been reported in the literature in individuals affected with FHL1-related conditions. ClinVar contains an entry for this variant (Variation ID: 285074). An algorithm developed to predict the effect of missense changes on protein structure and function outputs the following: PolyPhen-2: "Benign". The isoleucine amino acid residue is found in multiple mammalian species, which suggests that this missense change does not adversely affect protein function. In summary, the available evidence is currently insufficient to determine the role of this variant in disease. Therefore, it has been classified as a Variant of Uncertain Significance.

ARUP Laboratories, Molecular Genetics and Genomics, ARUP Laboratories
Classification: Uncertain significance. Last evaluated: 2025-03-21. Review status: criteria provided, single submitter. Criteria: ARUP Molecular Germline Variant Investigation Process 2024. Collection method: clinical testing. Allele origin: germline.
Comment: The FHL1 c.361G>A; p.Val121Ile variant (rs139402062), to our knowledge, is not reported in the medical literature but is reported in ClinVar (Variation ID: 285074). This variant is found in the African/African-American population with an allele frequency of 0.037% (7/18,990 alleles, including 3 hemizygotes) in the Genome Aggregation Database (v2.1.1). Computational analyses are uncertain whether this variant is neutral or deleterious (REVEL: 0.156). Due to limited information, the clinical significance of this variant is uncertain at this time.

Blueprint Genetics
Classification: Likely benign. Last evaluated: 2023-08-23. Review status: criteria provided, single submitter. Criteria: ACMG Guidelines, 2015. Collection method: clinical testing. Allele origin: germline.

Ambry Genetics
Classification: Likely benign for Cardiovascular phenotype. Last evaluated: 2022-07-19. Review status: criteria provided, single submitter. Criteria: Ambry Variant Classification Scheme 2023. Collection method: clinical testing. Allele origin: germline.

GeneDx
Classification: Likely benign. Last evaluated: 2020-06-30. Review status: criteria provided, single submitter. Criteria: GeneDx Variant Classification Process June 2021. Collection method: clinical testing. Allele origin: germline. Affected: yes.

Eurofins Ntd Llc (ga)
Classification: Uncertain significance. Last evaluated: 2015-12-04. Review status: criteria provided, single submitter. Criteria: EGL Classification Definitions 2015. Collection method: clinical testing. Allele origin: germline. Observed: 1 variant allele, 1 heterozygote.

PreventionGenetics, part of Exact Sciences
Classification: Likely benign for FHL1-related condition. Last evaluated: 2022-11-11. Review status: no assertion criteria provided. Collection method: clinical testing. Allele origin: germline. Not counted in ClinVar's aggregate classification.
Comment: This variant is classified as likely benign based on ACMG/AMP sequence variant interpretation guidelines (Richards et al. 2015 PMID: 25741868, with internal and published modifications).